The following is an entry in ClinVar:

NM_005816.5(CD96):c.1247A>T (p.Gln416Leu)

Gene: CD96 (CD96 molecule; plus strand). Cytogenetic location: 3q13.2.
Variant type: single nucleotide variant.
Coding change: c.1247A>T on transcript NM_005816.5 (MANE Select); coding-DNA position 1247, A replaced by T.
Protein change: p.Gln416Leu; replaces glutamine 416 with leucine.
Molecular consequence: missense variant. On other transcripts: non-coding transcript variant (1).
Genome position (GRCh38, 1-based): chr3:111,623,820, A>T. VCF-style: chr3-111623820-A-T. GRCh37 (hg19) VCF-style: chr3-111342667-A-T.
Other names: c.1295A>T, p.Gln432Leu (NM_198196.3); short protein forms Q432L, Q416L.
Identifiers: ClinVar variation 342540 (VCV000342540.49), dbSNP rs148659928, ClinGen allele CA2534699.
Genomic context (GRCh38, chr3:111,623,820, plus strand): 5'-CAGCTACATCTTCAGTGACCCTTGTAGATGTGAGTGCCTTGAGGCCAAACACCACTCCTC[A>T]ACGTGAGTTCAGCAAAGTTTTCCTACATGATTGGAAAGAGACAACACACTCACAAGTTTT-3'
Protein context (NP_005807.1, residues 406-426): VSALRPNTTP[Gln416Leu]PSNSSMTTRG

ClinVar aggregate classification (germline): Conflicting classifications of pathogenicity. Review status: criteria provided, conflicting classifications (1 of 4 stars). 3 submissions from 3 submitters: Uncertain significance (2); Likely benign (1). Last evaluated 2025-08-12.

Allele frequency attached by ClinVar (database versions not stated): 1000 Genomes Project 30x 0.00016; 1000 Genomes Project 0.00020; gnomAD exomes 0.00024 and 0.00041; ExAC 0.00036; gnomAD 0.00045 and 0.00048; TOPMed 0.00062; ESP Exome Variant Server 0.00077.
gnomAD v4.1: 447 of 1,604,234 alleles (0.028%); highest among the groups gnomAD compares: Middle Eastern, 0.099%; 1 homozygote.

Submissions (3):

Labcorp Genetics (formerly Invitae), Labcorp
Classification: Uncertain significance. Last evaluated: 2025-08-12. Review status: criteria provided, single submitter. Criteria: Invitae Variant Classification Sherloc (09022015). Collection method: clinical testing. Allele origin: germline.
Comment: This sequence change replaces glutamine, which is neutral and polar, with leucine, which is neutral and non-polar, at codon 432 of the CD96 protein (p.Gln432Leu). This variant is present in population databases (rs148659928, gnomAD 0.09%), and has an allele count higher than expected for a pathogenic variant. This variant has not been reported in the literature in individuals affected with CD96-related conditions. ClinVar contains an entry for this variant (Variation ID: 342540). An algorithm developed to predict the effect of missense changes on protein structure and function (PolyPhen-2) suggests that this variant is likely to be tolerated. Algorithms developed to predict the effect of sequence changes on RNA splicing suggest that this variant may disrupt the consensus splice site. In summary, the available evidence is currently insufficient to determine the role of this variant in disease. Therefore, it has been classified as a Variant of Uncertain Significance.

Ambry Genetics
Classification: Uncertain significance. Last evaluated: 2024-08-11. Review status: criteria provided, single submitter. Criteria: Ambry Variant Classification Scheme 2023. Collection method: clinical testing. Allele origin: germline.

CeGaT Center for Human Genetics Tuebingen
Classification: Likely benign. Last evaluated: 2024-04-01. Review status: criteria provided, single submitter. Criteria: CeGaT Center For Human Genetics Tuebingen Variant Classification Criteria Version 2. Collection method: clinical testing. Allele origin: germline. Affected: yes. Observed: 2 variant alleles.
Comment: CD96: BP4, BS2